The following is an entry in ClinVar:

NM_173560.4(RFX6):c.1829T>C (p.Leu610Pro)

Genes: RFX6 (regulatory factor X6; plus strand), LOC126859771 (BRD4-independent group 4 enhancer GRCh37_chr6:117246147-117247346; plus strand). Cytogenetic location: 6q22.1.
Variant type: single nucleotide variant.
Coding change: c.1829T>C on transcript NM_173560.4 (MANE Select); coding-DNA position 1829, T replaced by C.
Protein change: p.Leu610Pro; replaces leucine 610 with proline.
Molecular consequence: missense variant.
Genome position (GRCh38, 1-based): chr6:116,925,603, T>C. VCF-style: chr6-116925603-T-C. GRCh37 (hg19) VCF-style: chr6-117246766-T-C.
Other names: short protein forms L610P.
Identifiers: ClinVar variation 212051 (VCV000212051.11), dbSNP rs150973410, ClinGen allele CA208560.
Genomic context (GRCh38, chr6:116,925,603, plus strand): 5'-AGAATGAAAGCCACGTGGAGACAACCTATCTCCCTCTGCCATCCAGTCAACCTGGAGGCC[T>C]AGGCCCTGCTCTGCACCAGTTCCCTGCTGGGAACACAGACAACATGCCGCTCACAGGTAC-3'
Protein context (NP_775831.2, residues 600-620): LPLPSSQPGG[Leu610Pro]GPALHQFPAG

ClinVar aggregate classification (germline): Uncertain significance. Review status: criteria provided, multiple submitters, no conflicts (2 of 4 stars). 3 submissions from 3 submitters: Uncertain significance (3). Last evaluated 2026-08-21.

Conditions:
Inborn genetic diseases. Identifiers: MedGen C0950123, MeSH D030342.

Allele frequency attached by ClinVar (database versions not stated): gnomAD exomes 0.00019 and 0.00080; ExAC 0.00022; gnomAD 0.00022 and 0.00024; TOPMed 0.00028; ESP Exome Variant Server 0.00085.
gnomAD v4.1: 1,174 of 1,613,894 alleles (0.073%); highest among the groups gnomAD compares: Non-Finnish European, 0.097%; no homozygotes.

Submissions (3):

GeneDx
Classification: Uncertain significance. Last evaluated: 2026-08-21. Review status: criteria provided, single submitter. Criteria: GeneDx Variant Classification Process June 2021. Collection method: clinical testing. Allele origin: germline.
Comment: In silico analysis suggests that this missense variant does not alter protein structure/function; Has not been previously published as pathogenic or benign to our knowledge

Ambry Genetics
Classification: Uncertain significance for Inborn genetic diseases. Last evaluated: 2025-05-14. Review status: criteria provided, single submitter. Criteria: Ambry Variant Classification Scheme 2023. Collection method: clinical testing. Allele origin: germline.

Genetic Services Laboratory, University of Chicago
Classification: Uncertain significance. Last evaluated: 2014-11-06. Review status: criteria provided, single submitter. Criteria: ACMG Guidelines, 2015. Collection method: clinical testing. Allele origin: germline.